The following is an entry in ClinVar:

ClinVar aggregate classification (germline): Uncertain significance (1 of 4 stars; one submission).

Conditions:
Hereditary breast ovarian cancer syndrome. Also called: Hereditary breast and ovarian cancer; Hereditary breast and/or ovarian cancer syndrome; Hereditary breast and ovarian cancer syndrome; Hereditary breast and ovarian cancer syndrome (HBOC); Breast and ovarian cancer; BRCA1- and BRCA2-Associated Hereditary Breast and Ovarian Cancer. Identifiers: Orphanet 145, MedGen C0677776, MeSH D061325, MONDO:0003582. Disease mechanism: loss of function.

Allele frequency attached by ClinVar (database versions not stated): gnomAD exomes below 0.00001.
gnomAD v4.1: 1 of 1,613,156 alleles (0.000062%); highest among the groups gnomAD compares: Non-Finnish European, 0.000085%; no homozygotes.

Submission:

Labcorp Genetics (formerly Invitae), Labcorp
Classification: Uncertain significance for Hereditary breast ovarian cancer syndrome. Last evaluated: 2019-09-08. Review status: criteria provided, single submitter. Criteria: Invitae Variant Classification Sherloc (09022015). Collection method: clinical testing. Allele origin: germline.
Comment: Algorithms developed to predict the effect of missense changes on protein structure and function output the following: SIFT: "Tolerated"; PolyPhen-2: "Possibly Damaging"; Align-GVGD: "Class C0". The arginine amino acid residue is found in multiple mammalian species, suggesting that this missense change does not adversely affect protein function. These predictions have not been confirmed by published functional studies and their clinical significance is uncertain. This sequence change replaces histidine with arginine at codon 2455 of the BRCA2 protein (p.His2455Arg). The histidine residue is weakly conserved and there is a small physicochemical difference between histidine and arginine. This variant is not present in population databases (ExAC no frequency). This variant has not been reported in the literature in individuals with BRCA2-related conditions. Algorithms developed to predict the effect of sequence changes on RNA splicing suggest that this variant may create or strengthen a splice site, but this prediction has not been confirmed by published transcriptional studies. In summary, the available evidence is currently insufficient to determine the role of this variant in disease. Therefore, it has been classified as a Variant of Uncertain Significance.

NM_000059.4(BRCA2):c.7364A>G (p.His2455Arg)

Gene: BRCA2 (BRCA2 DNA repair associated; plus strand). Cytogenetic location: 13q13.1.
Variant type: single nucleotide variant.
Coding change: c.7364A>G on transcript NM_000059.4 (MANE Select); coding-DNA position 7364, A replaced by G.
Protein change: p.His2455Arg; replaces histidine 2455 with arginine.
Molecular consequence: missense variant.
Genome position (GRCh38, 1-based): chr13:32,355,217, A>G. VCF-style: chr13-32355217-A-G. GRCh37 (hg19) VCF-style: chr13-32929354-A-G.
Other names: short protein forms H2455R.
Identifiers: ClinVar variation 954006 (VCV000954006.10), dbSNP rs2072683452, ClinGen allele CA387741505.